The following is an entry in ClinVar:

ClinVar aggregate classification (germline): Pathogenic/Likely pathogenic. Review status: criteria provided, multiple submitters, no conflicts (2 of 4 stars). 3 submissions from 3 submitters: Pathogenic (1); Likely pathogenic (2). Last evaluated 2024-01-11.

Conditions:
Cholestanol storage disease (CTX). Also called: CEREBRAL CHOLESTERINOSIS; Cerebrotendinous Xanthomatosis; CTX: Cerebrotendinous xanthomatosis. Identifiers: Orphanet 909, MedGen C0238052, MONDO:0008948, OMIM 213700.
CYP27A1-related disorder. Also called: CYP27A1-related condition.

Submissions (3):

Baylor Genetics
Classification: Likely pathogenic for Cholestanol storage disease. Last evaluated: 2024-01-11. Review status: criteria provided, single submitter. Criteria: ACMG Guidelines, 2015. Collection method: clinical testing. Allele origin: unknown.

Labcorp Genetics (formerly Invitae), Labcorp
Classification: Pathogenic for Cholestanol storage disease. Last evaluated: 2023-10-03. Review status: criteria provided, single submitter. Criteria: Invitae Variant Classification Sherloc (09022015). Collection method: clinical testing. Allele origin: germline.
Comment: This sequence change creates a premature translational stop signal (p.Arg459Glyfs*35) in the CYP27A1 gene. While this is not anticipated to result in nonsense mediated decay, it is expected to disrupt the last 73 amino acid(s) of the CYP27A1 protein. This variant is not present in population databases (gnomAD no frequency). This variant has not been reported in the literature in individuals affected with CYP27A1-related conditions. ClinVar contains an entry for this variant (Variation ID: 1499459). This variant disrupts a region of the CYP27A1 protein in which other variant(s) (p.Arg513Cys) have been determined to be pathogenic (PMID: 22878431, 28623566, 31743419, 32714376, 34012265). This suggests that this is a clinically significant region of the protein, and that variants that disrupt it are likely to be disease-causing. For these reasons, this variant has been classified as Pathogenic.

Blueprint Genetics
Classification: Likely pathogenic for CYP27A1-related disorders. Last evaluated: 2022-09-02. Review status: criteria provided, single submitter. Criteria: ACMG Guidelines, 2015. Collection method: clinical testing. Allele origin: germline. Affected: yes. Observed: 2 variant alleles.

Literature cited by the submitters: PubMed 22878431 (cited by Labcorp Genetics (formerly Invitae), Labcorp); PubMed 28623566 (cited by Labcorp Genetics (formerly Invitae), Labcorp); PubMed 31743419 (cited by Labcorp Genetics (formerly Invitae), Labcorp); PubMed 32714376 (cited by Labcorp Genetics (formerly Invitae), Labcorp); PubMed 34012265 (cited by Labcorp Genetics (formerly Invitae), Labcorp).

NM_000784.4(CYP27A1):c.1374del (p.Arg459fs)

Gene: CYP27A1 (cytochrome P450 family 27 subfamily A member 1; plus strand). Cytogenetic location: 2q35.
Variant type: Deletion.
Coding change: c.1374del on transcript NM_000784.4 (MANE Select); coding-DNA position 1374, one base deleted (C; older notation c.1374delC).
Protein change: p.Arg459fs; shifts the reading frame from arginine 459.
Molecular consequence: frameshift variant.
Genome position (GRCh38, 1-based): chr2:218,814,655, C deleted; the last of 5 consecutive C bases (chr2:218,814,651-218,814,655); deleting any one gives the same sequence. VCF-style (leftmost placement, unchanged base first): chr2-218814650-AC-A. GRCh37 (hg19) VCF-style: chr2-219679373-AC-A.
Other names: short protein forms R459fs.
Identifiers: ClinVar variation 1499459 (VCV001499459.10), dbSNP rs751969035, ClinGen allele CA916778175.